The following is an entry in ClinVar:

ClinVar aggregate classification (germline): Benign/Likely benign. Review status: criteria provided, multiple submitters, no conflicts (2 of 4 stars). 11 submissions from 11 submitters: Benign (8); Likely benign (2). 1 of the submissions does not count toward it. Last evaluated 2026-04-01.

Conditions:
TSC2-related disorder. Also called: TSC2-Related Disorders; TSC2-related condition.
Hereditary cancer-predisposing syndrome. Also called: Tumor predisposition; Neoplastic Syndromes, Hereditary; Hereditary Cancer Syndrome; Hereditary neoplastic syndrome. Identifiers: Orphanet 140162, MedGen C0027672, MeSH D009386, MONDO:0015356.
Tuberous sclerosis syndrome (TSC). Also called: Tuberous Sclerosis Complex; Tuberous sclerosis. Identifiers: Orphanet 805, MedGen C0041341, MONDO:0001734.
Tuberous sclerosis 2 (TSC2). Identifiers: Orphanet 805, MedGen C1860707, MONDO:0013199, OMIM 613254.

Allele frequency attached by ClinVar (database versions not stated): gnomAD exomes 0.00002 and 0.00008; ExAC 0.00011; gnomAD 0.00025; TOPMed 0.00027; ESP Exome Variant Server 0.00038; 1000 Genomes Project 0.00040; 1000 Genomes Project 30x 0.00047.
gnomAD v4.1: 63 of 1,614,222 alleles (0.0039%); highest among the groups gnomAD compares: African/African-American, 0.071%; no homozygotes.

Submissions (11):

CeGaT Center for Human Genetics Tuebingen
Classification: Likely benign. Last evaluated: 2026-04-01. Review status: criteria provided, single submitter. Criteria: CeGaT Center For Human Genetics Tuebingen Variant Classification Criteria Version 2. Collection method: clinical testing. Allele origin: germline. Affected: yes. Observed: 2 variant alleles.
Comment: TSC2: BP7

Labcorp Genetics (formerly Invitae), Labcorp
Classification: Benign for Tuberous sclerosis 2. Last evaluated: 2026-01-26. Review status: criteria provided, single submitter. Criteria: Invitae Variant Classification Sherloc (09022015). Collection method: clinical testing. Allele origin: germline.

Myriad Genetics, Inc.
Classification: Benign for Tuberous sclerosis 2. Last evaluated: 2025-05-13. Review status: criteria provided, single submitter. Criteria: Myriad Autosomal Dominant, Autosomal Recessive and X-Linked Classification Criteria (2023). Collection method: clinical testing. Allele origin: unknown.
Comment: This variant is considered benign. This variant is a silent/synonymous amino acid change and it is not expected to impact splicing.

All of Us Research Program, National Institutes of Health
Classification: Benign for Tuberous sclerosis syndrome. Last evaluated: 2023-12-14. Review status: criteria provided, single submitter. Criteria: ACMG Guidelines, 2015. Collection method: clinical testing. Allele origin: germline. Inheritance: Autosomal dominant inheritance. Observed: 19 variant alleles, 19 heterozygotes.
Comment: This study involves interpretation of variants in research participants for the purpose of population health screening. Participant phenotype was not available at the time of variant classification. Additional details can be found in publication PMID: 35346344, PMCID: PMC8962531

Color Diagnostics, LLC DBA Color Health
Classification: Benign for Tuberous sclerosis syndrome. Last evaluated: 2022-09-20. Review status: criteria provided, single submitter. Criteria: ACMG Guidelines, 2015. Collection method: clinical testing. Allele origin: germline.

Genome-Nilou Lab
Classification: Benign for Tuberous sclerosis 2. Last evaluated: 2021-11-07. Review status: criteria provided, single submitter. Criteria: ACMG Guidelines, 2015. Collection method: clinical testing. Allele origin: germline. Affected: no.

Sema4
Classification: Benign for Hereditary cancer-predisposing syndrome. Last evaluated: 2021-05-17. Review status: criteria provided, single submitter. Criteria: Sema4 Curation Guidelines. Collection method: curation. Allele origin: germline.

Blueprint Genetics
Classification: Benign. Last evaluated: 2021-03-17. Review status: criteria provided, single submitter. Criteria: ACMG Guidelines, 2015. Collection method: clinical testing. Allele origin: germline.

Ambry Genetics
Classification: Likely benign for Hereditary cancer-predisposing syndrome. Last evaluated: 2014-08-01. Review status: criteria provided, single submitter. Criteria: Ambry Variant Classification Scheme 2023. Collection method: clinical testing. Allele origin: germline.

GeneDx
Classification: Benign. Last evaluated: 2014-07-18. Review status: criteria provided, single submitter. Criteria: GeneDx Variant Classification (06012015). Collection method: clinical testing. Allele origin: germline. Affected: yes.
Comment: This variant is considered likely benign or benign based on one or more of the following criteria: it is a conservative change, it occurs at a poorly conserved position in the protein, it is predicted to be benign by multiple in silico algorithms, and/or has population frequency not consistent with disease.

PreventionGenetics, part of Exact Sciences
Classification: Benign for TSC2-related condition. Last evaluated: 2020-06-01. Review status: no assertion criteria provided. Collection method: clinical testing. Allele origin: germline. Not counted in ClinVar's aggregate classification.
Comment: This variant is classified as benign based on ACMG/AMP sequence variant interpretation guidelines (Richards et al. 2015 PMID: 25741868, with internal and published modifications).

NM_000548.5(TSC2):c.1170G>A (p.Thr390=)

Gene: TSC2 (TSC complex subunit 2; plus strand). Cytogenetic location: 16p13.3.
Variant type: single nucleotide variant.
Coding change: c.1170G>A on transcript NM_000548.5 (MANE Select); coding-DNA position 1170, G replaced by A.
Protein change: p.Thr390=; no amino-acid change (threonine 390 retained).
Molecular consequence: synonymous variant.
Genome position (GRCh38, 1-based): chr16:2,061,921, G>A. VCF-style: chr16-2061921-G-A. GRCh37 (hg19) VCF-style: chr16-2111922-G-A.
Other names: p.T390T:ACG>ACA; c.1170G>A, p.Thr390= (NM_001077183.3, NM_001114382.3, NM_001363528.2 and 3 more transcripts); c.1059G>A, p.Thr353= (NM_001318827.2); c.1023G>A, p.Thr341= (NM_001318829.2); c.570G>A, p.Thr190= (NM_001318831.2); c.1203G>A, p.Thr401= (NM_001318832.2); c.1170G>A (NM_000548.4).
Identifiers: ClinVar variation 184142 (VCV000184142.30), dbSNP rs376144933, ClinGen allele CA014017.
Genomic context (GRCh38, chr16:2,061,921, plus strand): 5'-GGTACTGCAGACCTTGGACAGCCCGGAGCTCAGGACCATCGTCCATGACCTGTTGACCAC[G>A]GTGGAGGAGCTGTGTGACCAGAACGAGTTCCACGGGTCTCAGGAGAGATACTTTGAACTG-3'
Protein context (NP_000539.2, residues 380-400): LRTIVHDLLT[Thr390=]VEELCDQNEF